The following is an entry in ClinVar:

NM_004370.6(COL12A1):c.8954A>G (p.Glu2985Gly)

Gene: COL12A1 (collagen type XII alpha 1 chain; minus strand). Cytogenetic location: 6q13.
Variant type: single nucleotide variant.
Coding change: c.8954A>G on transcript NM_004370.6 (MANE Select); coding-DNA position 8954, A replaced by G.
Protein change: p.Glu2985Gly; replaces glutamic acid 2985 with glycine.
Molecular consequence: missense variant.
Genome position (GRCh38, 1-based): chr6:75,089,162, T>C on the plus strand (A>G on the coding strand, the complement: COL12A1 is on the minus strand). VCF-style: chr6-75089162-T-C. GRCh37 (hg19) VCF-style: chr6-75798878-T-C.
Other names: c.5462A>G, p.Glu1821Gly (NM_080645.3); short protein forms E1821G, E2985G.
Identifiers: ClinVar variation 2082737 (VCV002082737.4), dbSNP rs2533024364, ClinGen allele CA364733511.

ClinVar aggregate classification (germline): Uncertain significance (1 of 4 stars; one submission).

Conditions:
Ullrich congenital muscular dystrophy 2 (UCMD2). Identifiers: Orphanet 75840, MedGen C4225314, MONDO:0014654, OMIM 616470.
Bethlem myopathy 2 (BTHLM2). Identifiers: Orphanet 536516, Orphanet 610, MedGen C4225313, MONDO:0034022, OMIM 616471.

Submission:

Labcorp Genetics (formerly Invitae), Labcorp
Classification: Uncertain significance for Bethlem myopathy 2; Ullrich congenital muscular dystrophy 2. Last evaluated: 2022-01-14. Review status: criteria provided, single submitter. Criteria: Invitae Variant Classification Sherloc (09022015). Collection method: clinical testing. Allele origin: germline.
Comment: This sequence change replaces glutamic acid, which is acidic and polar, with glycine, which is neutral and non-polar, at codon 2985 of the COL12A1 protein (p.Glu2985Gly). This variant is not present in population databases (gnomAD no frequency). This variant has not been reported in the literature in individuals affected with COL12A1-related conditions. Algorithms developed to predict the effect of missense changes on protein structure and function are either unavailable or do not agree on the potential impact of this missense change (SIFT: "Deleterious"; PolyPhen-2: "Probably Damaging"; Align-GVGD: "Class C0"). In summary, the available evidence is currently insufficient to determine the role of this variant in disease. Therefore, it has been classified as a Variant of Uncertain Significance.